The following is an entry in ClinVar:

NM_003998.4(NFKB1):c.310G>T (p.Gly104Ter)

Gene: NFKB1 (nuclear factor kappa B subunit 1; plus strand). Cytogenetic location: 4q24.
Variant type: single nucleotide variant.
Coding change: c.310G>T on transcript NM_003998.4 (MANE Select); coding-DNA position 310, G replaced by T.
Protein change: p.Gly104Ter; replaces glycine 104 with a stop codon.
Molecular consequence: nonsense.
Genome position (GRCh38, 1-based): chr4:102,567,038, G>T. VCF-style: chr4-102567038-G-T. GRCh37 (hg19) VCF-style: chr4-103488195-G-T.
Other names: c.307G>T, p.Gly103Ter (NM_001165412.2, NM_001319226.2, NM_001382627.1); c.310G>T, p.Gly104Ter (NM_001382625.1, NM_001382626.1); c.268G>T, p.Gly90Ter (NM_001382628.1); short protein forms G104*, G90*, G103*.
Identifiers: ClinVar variation 4730336 (VCV004730336.1).
Genomic context (GRCh38, chr4:102,567,038, plus strand): 5'-CTTATATAGATCTGCAACTATGTGGGACCAGCAAAGGTTATTGTTCAGTTGGTCACAAAT[G>T]GAAAAAATATCCACCTGCATGCCCACAGCCTGGTGGGAAAACACTGTGAGGATGGGATCT-3'

ClinVar aggregate classification (germline): Pathogenic (1 of 4 stars; one submission).

Submission:

Labcorp Genetics (formerly Invitae), Labcorp
Classification: Pathogenic. Last evaluated: 2025-11-02. Review status: criteria provided, single submitter. Criteria: Invitae Variant Classification Sherloc (09022015). Collection method: clinical testing. Allele origin: germline.
Comment: This sequence change creates a premature translational stop signal (p.Gly104*) in the NFKB1 gene. It is expected to result in an absent or disrupted protein product. Loss-of-function variants in NFKB1 are known to be pathogenic (PMID: 26279205, 29477724). This variant is not present in population databases (gnomAD no frequency). This variant has not been reported in the literature in individuals affected with NFKB1-related conditions. For these reasons, this variant has been classified as Pathogenic.

Literature cited by the submitters: PubMed 26279205; PubMed 29477724.